The following is an entry in ClinVar:

NM_000046.5(ARSB):c.113_121del (p.Gly38_Gly40del)

Genes: ARSB (arylsulfatase B; minus strand), LOC129994126 (ATAC-STARR-seq lymphoblastoid silent region 16127; plus strand). Cytogenetic location: 5q14.1.
Variant type: Deletion.
Coding change: c.113_121del on transcript NM_000046.5 (MANE Select); coding-DNA positions 113 to 121, 9 bases deleted (GCGCCGGGG; older notation c.113_121delGCGCCGGGG).
Protein change: p.Gly38_Gly40del.
Molecular consequence: inframe deletion.
Genome position (GRCh38, 1-based): chr5:78,985,128-78,985,136, CCCCGGCGC deleted on the plus strand (GCGCCGGGG on the coding strand, the reverse complement: ARSB is on the minus strand); deleting any 9 consecutive bases within chr5:78,985,128-78,985,138 gives the same sequence; the c. name uses the placement nearest the transcript's 3' end. VCF-style (leftmost placement, unchanged base first): chr5-78985127-GCCCCGGCGC-G. GRCh37 (hg19) VCF-style: chr5-78280950-GCCCCGGCGC-G.
Other names: c.113_121del9 (NM_000046.3); c.113_121del, p.Gly38_Gly40del (NM_198709.3); c.113_121delGCGCCGGGG (NM_000046.3, NM_000046.5).
Identifiers: ClinVar variation 495378 (VCV000495378.46), dbSNP rs550086186, ClinGen allele CA3318358.
Genomic context (GRCh38, chr5:78,985,127, plus strand): 5'-CCGACGTCGTTCCAGCCTAGGTCGTCTGCCAGCAAGAAGACCAGGTGGGGCGGCCGGCTG[GCCCCGGCGC>G]CCGAGCCCGGCGGCGCCAACAACAGCAGCAGCAGCAGCGGGAGGACGACGGGGAGGAGCA-3'

ClinVar aggregate classification (germline): Benign/Likely benign. Review status: criteria provided, multiple submitters, no conflicts (2 of 4 stars). 9 submissions from 9 submitters: Benign (5); Likely benign (2). 2 of the submissions do not count toward it. Last evaluated 2026-05-22.

Conditions:
ARSB-related disorder. Also called: ARSB-related condition.
Mucopolysaccharidosis type 6 (MPS6). Also called: ARSB DEFICIENCY; ARYLSULFATASE B DEFICIENCY; MPS 6; Maroteaux Lamy syndrome; N-ACETYLGALACTOSAMINE-4-SULFATASE DEFICIENCY; MPS VI. Identifiers: Orphanet 583, MedGen C0026709, MONDO:0009661, OMIM 253200.

Submissions (9):

PreventionGenetics, part of Exact Sciences
Classification: Likely benign for ARSB-related condition. Last evaluated: 2026-05-22. Review status: criteria provided, single submitter. Criteria: ACMG Guidelines, 2015. Collection method: clinical testing. Allele origin: germline.
Comment: This variant is classified as likely benign based on ACMG/AMP sequence variant interpretation guidelines (Richards et al. 2015 PMID: 25741868, with internal and published modifications).

Labcorp Genetics (formerly Invitae), Labcorp
Classification: Benign for Mucopolysaccharidosis type 6. Last evaluated: 2026-01-31. Review status: criteria provided, single submitter. Criteria: Invitae Variant Classification Sherloc (09022015). Collection method: clinical testing. Allele origin: germline.

CeGaT Center for Human Genetics Tuebingen
Classification: Benign. Last evaluated: 2023-03-01. Review status: criteria provided, single submitter. Criteria: CeGaT Center For Human Genetics Tuebingen Variant Classification Criteria Version 2. Collection method: clinical testing. Allele origin: germline. Affected: yes. Observed: 1 variant allele.
Comment: ARSB: BS1, BS2

Fulgent Genetics
Classification: Likely benign for Mucopolysaccharidosis type 6. Last evaluated: 2022-05-17. Review status: criteria provided, single submitter. Criteria: ACMG Guidelines, 2015. Collection method: clinical testing. Allele origin: unknown.

Genome-Nilou Lab
Classification: Benign for Mucopolysaccharidosis type 6. Last evaluated: 2021-05-18. Review status: criteria provided, single submitter. Criteria: ACMG Guidelines, 2015. Collection method: clinical testing. Allele origin: germline. Affected: no.

Women's Health and Genetics/Laboratory Corporation of America, LabCorp
Classification: Benign. Last evaluated: 2019-07-18. Review status: criteria provided, single submitter. Criteria: LabCorp Variant Classification Summary - May 2015. Collection method: clinical testing. Allele origin: germline.
Comment: Variant summary: ARSB c.113_121delGCGCCGGGG (p.Gly38_Gly40del) results in an in-frame deletion that is predicted to remove three amino acids from the encoded protein. The variant allele was found at a frequency of 0.0021 in 123320 control chromosomes, predominantly at a frequency of 0.014 within the South Asian subpopulation in the gnomAD database, including 6 homozygotes. The observed variant frequency within South Asian control individuals in the gnomAD database is approximately 6 fold of the estimated maximal expected allele frequency for a pathogenic variant in ARSB causing Mucopolysaccharidosis Type VI (Maroteaux-Lamy Syndrome) phenotype (0.0022), strongly suggesting that the variant is a benign polymorphism found primarily in populations of South Asian origin. The variant, c.113_121delGCGCCGGGG has been reported in the literature in a homozygous individual affected with Mucopolysaccharidosis Type VI, with an attenuated disease severity (Mathew_2015). To our knowledge, no experimental evidence demonstrating an impact on protein function has been reported. Two other submitters have provided clinical-significance assessments for this variant to ClinVar after 2014 without evidence for independent evaluation (1x benign and 1x uncertain significance). Based on the evidence outlined above, the variant was classified as benign.

Laboratory of Diagnosis and Therapy of Lysosomal Disorders, University of Padova
Classification: Benign for Mucopolysaccharidosis type 6. Last evaluated: 2018-01-01. Review status: criteria provided, single submitter. Criteria: ACMG Guidelines, 2015. Collection method: curation. Allele origin: germline. Affected: yes.
Comment: In frame deletion in a repetitive region without a known function (BP3); Allele frequency greater than expected for disorder (BS1). Homozygotes reported in ExAC (BS2)

Natera, Inc.
Classification: Benign for Mucopolysaccharidosis type VI. Last evaluated: 2020-05-01. Review status: no assertion criteria provided. Collection method: clinical testing. Allele origin: germline. Not counted in ClinVar's aggregate classification.

Mayo Clinic Laboratories, Mayo Clinic
Classification: Uncertain significance. Last evaluated: 2017-04-12. Review status: no assertion criteria provided. Collection method: clinical testing. Allele origin: unknown. Not counted in ClinVar's aggregate classification.

Literature cited by the submitters: PubMed 26937411 (cited by Women's Health and Genetics/Laboratory Corporation of America, LabCorp and Laboratory of Diagnosis and Therapy of Lysosomal Disorders, University of Padova); PubMed 30118150 (cited by Laboratory of Diagnosis and Therapy of Lysosomal Disorders, University of Padova).